The following is an entry in ClinVar:

ClinVar aggregate classification (germline): Uncertain significance (1 of 4 stars; one submission).

Conditions:
3-Methylglutaconic aciduria type 2 (BTHS). Also called: CARDIOSKELETAL MYOPATHY WITH NEUTROPENIA AND ABNORMAL MITOCHONDRIA; Barth syndrome. Identifiers: Orphanet 111, MedGen C0574083, MONDO:0010543, OMIM 302060.

Submission:

Labcorp Genetics (formerly Invitae), Labcorp
Classification: Uncertain significance for 3-Methylglutaconic aciduria type 2. Last evaluated: 2019-08-19. Review status: criteria provided, single submitter. Criteria: Invitae Variant Classification Sherloc (09022015). Collection method: clinical testing. Allele origin: germline.
Comment: In summary, the available evidence is currently insufficient to determine the role of this variant in disease. Therefore, it has been classified as a Variant of Uncertain Significance. Algorithms developed to predict the effect of missense changes on protein structure and function (SIFT, PolyPhen-2, Align-GVGD) all suggest that this variant is likely to be tolerated, but these predictions have not been confirmed by published functional studies and their clinical significance is uncertain. This variant has not been reported in the literature in individuals with TAZ-related conditions. This variant is not present in population databases (ExAC no frequency). This sequence change replaces arginine with glycine at codon 251 of the TAZ protein (p.Arg251Gly). The arginine residue is weakly conserved and there is a moderate physicochemical difference between arginine and glycine.

NM_000116.5(TAFAZZIN):c.751C>G (p.Arg251Gly)

Gene: TAFAZZIN (tafazzin, phospholipid-lysophospholipid transacylase; plus strand). Cytogenetic location: Xq28.
Variant type: single nucleotide variant.
Coding change: c.751C>G on transcript NM_000116.5 (MANE Select); coding-DNA position 751, C replaced by G.
Protein change: p.Arg251Gly; replaces arginine 251 with glycine.
Molecular consequence: missense variant. On other transcripts: non-coding transcript variant (1).
Genome position (GRCh38, 1-based): chrX:154,420,709, C>G. VCF-style: chrX-154420709-C-G. GRCh37 (hg19) VCF-style: chrX-153649048-C-G.
Other names: c.763C>G, p.Arg255Gly (NM_001303465.2); c.661C>G, p.Arg221Gly (NM_181311.4); c.709C>G, p.Arg237Gly (NM_181312.4); c.619C>G, p.Arg207Gly (NM_181313.4); short protein forms R255G, R207G, R221G, R237G, R251G.
Identifiers: ClinVar variation 944600 (VCV000944600.6), dbSNP rs372689133, ClinGen allele CA337288722.